The following is an entry in ClinVar:

ClinVar aggregate classification (germline): Likely benign. Review status: criteria provided, multiple submitters, no conflicts (2 of 4 stars). 3 submissions from 3 submitters: Likely benign (3). Last evaluated 2025-07-16.

Conditions:
Familial hypercholesterolemia. Also called: Familial hypercholesterolaemia; Familial hypercholesterolemias. Identifiers: MedGen C0020445, MONDO:0005439.
Cardiovascular phenotype. Identifiers: MedGen CN230736.
Familial hypobetalipoproteinemia 1. Also called: Hypobetalipoproteinemia, normotriglyceridemic; Acanthocytosis with hypobetalipoproteinemia; APOB-Related Familial Hypobetalipoproteinemia. Identifiers: MedGen C4551990, MONDO:0014252, OMIM 615558.
Hypercholesterolemia, autosomal dominant, type B (FHCL2). Also called: Familial Hypercholesterolemia Type B; APOLIPOPROTEIN B-100, FAMILIAL DEFECTIVE; APOLIPOPROTEIN B-100, FAMILIAL LIGAND-DEFECTIVE; HYPERCHOLESTEROLEMIA, FAMILIAL, DUE TO LIGAND-DEFECTIVE APOLIPOPROTEIN B; Hyperlipoproteinemia Type IIb; Familial hypercholesterolemia 2. Identifiers: MedGen C1704417, MONDO:0007751, OMIM 144010.

gnomAD v4.1: 2 of 1,613,954 alleles (0.00012%); highest among the groups gnomAD compares: Non-Finnish European, 0.00017%; no homozygotes.

Submissions (3):

GENinCode PLC
Classification: Likely benign for Familial hypercholesterolemia. Last evaluated: 2025-07-16. Review status: criteria provided, single submitter. Criteria: ACMG Guidelines, 2015. Collection method: clinical testing. Allele origin: germline.
Comment: This is a synonymous (silent) variant that is not predicted to impact splicing and occurs at a nucleotide which is not highly conserved. This variant has been classified as Likely Benign (BP4, BP7).

Labcorp Genetics (formerly Invitae), Labcorp
Classification: Likely benign for Familial hypobetalipoproteinemia 1; Hypercholesterolemia, autosomal dominant, type B. Last evaluated: 2025-05-01. Review status: criteria provided, single submitter. Criteria: Invitae Variant Classification Sherloc (09022015). Collection method: clinical testing. Allele origin: germline.

Ambry Genetics
Classification: Likely benign for Cardiovascular phenotype. Last evaluated: 2024-04-23. Review status: criteria provided, single submitter. Criteria: Ambry Variant Classification Scheme 2023. Collection method: clinical testing. Allele origin: germline.

NM_000384.3(APOB):c.11478G>T (p.Thr3826=)

Gene: APOB (apolipoprotein B; minus strand). Cytogenetic location: 2p24.1.
Variant type: single nucleotide variant.
Coding change: c.11478G>T on transcript NM_000384.3 (MANE Select); coding-DNA position 11478, G replaced by T.
Protein change: p.Thr3826=; no amino-acid change (threonine 3826 retained).
Molecular consequence: synonymous variant.
Genome position (GRCh38, 1-based): chr2:21,005,390, C>A on the plus strand (G>T on the coding strand, the complement: APOB is on the minus strand). VCF-style: chr2-21005390-C-A. GRCh37 (hg19) VCF-style: chr2-21228262-C-A.
Identifiers: ClinVar variation 3307782 (VCV003307782.3).
Genomic context (GRCh38, chr2:21,005,390, plus strand): 5'-CTTGTTGGCTACTGCATTTAGATCCAAAGCAGCAATGCCATCTGAAACACTTTTTGGAAG[C>A]GTGAACTGGGACACAGTTAACTGAGATTCAGGCACGGTTATCTCAAAAAAGGGAATCAAG-3'
Protein context (NP_000375.3, residues 3816-3836): PESQLTVSQF[Thr3826=]LPKSVSDGIA